The following is an entry in ClinVar:

ClinVar aggregate classification (germline): Pathogenic (1 of 4 stars; one submission).

Submission:

GeneDx
Classification: Pathogenic. Last evaluated: 2012-08-07. Review status: criteria provided, single submitter. Criteria: GeneDx Variant Classification (06012015). Collection method: clinical testing. Allele origin: germline. Affected: yes.
Comment: c.972+1_972+3delGTG: IVS7+1_IVS7+3delGTG in intron 7 of the SLC2A1 gene (NM_006516.2)The c.972+1_972+3delGTG mutation results in the deletion of the first three nucleotides of intron 7, thereby destroying the canonical splice donor site. This mutation is predicted to cause abnormal gene splicing, either leading to an abnormal message that is subject to nonsense-mediated mRNA decay or to an abnormal protein product if the message is used for protein translation. Although this mutation has not been previously reported to our knowledge, a different mutation affecting this splice donor site has been published in association glucose transporter type 1 deficiency syndrome (Glut1-DS) (Wang et al., 2000). The variant is found in INFANT-EPI panel(s).

NM_006516.4(SLC2A1):c.972+1_972+3del

Gene: SLC2A1 (solute carrier family 2 member 1; minus strand). Cytogenetic location: 1p34.2.
Variant type: Deletion.
Coding change: c.972+1_972+3del on transcript NM_006516.4 (MANE Select); the canonical splice donor site of the intron after coding-DNA position 972 through 3 bases into the intron after coding-DNA position 972, 3 bases deleted (GTG; older notation c.972+1_972+3delGTG).
Molecular consequence: splice donor variant.
Genome position (GRCh38, 1-based): chr1:42,929,207-42,929,209, CAC deleted on the plus strand (GTG on the coding strand, the reverse complement: SLC2A1 is on the minus strand); deleting any 3 consecutive bases within chr1:42,929,207-42,929,210 gives the same sequence; the c. name uses the placement nearest the transcript's 3' end. VCF-style (leftmost placement, unchanged base first): chr1-42929206-TCAC-T. GRCh37 (hg19) VCF-style: chr1-43394877-TCAC-T.
Other names: c.972+1_972+3delGTG (NM_006516.2).
Identifiers: ClinVar variation 207222 (VCV000207222.1), dbSNP rs796053269, ClinGen allele CA318485.